The following is an entry in ClinVar:

ClinVar aggregate classification (germline): Uncertain significance (1 of 4 stars; one submission).

Conditions:
Familial hypobetalipoproteinemia 1. Also called: Hypobetalipoproteinemia, normotriglyceridemic; Acanthocytosis with hypobetalipoproteinemia; APOB-Related Familial Hypobetalipoproteinemia. Identifiers: MedGen C4551990, MONDO:0014252, OMIM 615558.
Hypercholesterolemia, autosomal dominant, type B (FHCL2). Also called: Familial Hypercholesterolemia Type B; HYPERCHOLESTEROLEMIA, FAMILIAL, DUE TO LIGAND-DEFECTIVE APOLIPOPROTEIN B; Familial hypercholesterolemia 2; APOB-Related Familial Hypercholesterolemia, Autosomal Dominant; APOLIPOPROTEIN B-100, FAMILIAL DEFECTIVE; APOLIPOPROTEIN B-100, FAMILIAL LIGAND-DEFECTIVE. Identifiers: MedGen C1704417, MONDO:0007751, OMIM 144010.

Submission:

Labcorp Genetics (formerly Invitae), Labcorp
Classification: Uncertain significance for Familial hypobetalipoproteinemia 1; Hypercholesterolemia, autosomal dominant, type B. Last evaluated: 2019-05-12. Review status: criteria provided, single submitter. Criteria: Invitae Variant Classification Sherloc (09022015). Collection method: clinical testing. Allele origin: germline.
Comment: In summary, the available evidence is currently insufficient to determine the role of this variant in disease. Therefore, it has been classified as a Variant of Uncertain Significance. Algorithms developed to predict the effect of missense changes on protein structure and function output the following: SIFT: "Tolerated"; PolyPhen-2: "Benign"; Align-GVGD: "Class C0". The threonine amino acid residue is found in multiple mammalian species, suggesting that this missense change does not adversely affect protein function. These predictions have not been confirmed by published functional studies and their clinical significance is uncertain. This variant has not been reported in the literature in individuals with APOB-related conditions. This variant is not present in population databases (ExAC no frequency). This sequence change replaces methionine with threonine at codon 801 of the APOB protein (p.Met801Thr). The methionine residue is weakly conserved and there is a moderate physicochemical difference between methionine and threonine.

NM_000384.3(APOB):c.2402T>C (p.Met801Thr)

Gene: APOB (apolipoprotein B; minus strand). Cytogenetic location: 2p24.1.
Variant type: single nucleotide variant.
Coding change: c.2402T>C on transcript NM_000384.3 (MANE Select); coding-DNA position 2402, T replaced by C.
Protein change: p.Met801Thr; replaces methionine 801 with threonine.
Molecular consequence: missense variant.
Genome position (GRCh38, 1-based): chr2:21,024,967, A>G on the plus strand (T>C on the coding strand, the complement: APOB is on the minus strand). VCF-style: chr2-21024967-A-G. GRCh37 (hg19) VCF-style: chr2-21247839-A-G.
Other names: short protein forms M801T.
Identifiers: ClinVar variation 939966 (VCV000939966.12), dbSNP rs1663696610, ClinGen allele CA346011867.